The following is an entry in ClinVar:

ClinVar aggregate classification (germline): Pathogenic (1 of 4 stars; one submission).

Conditions:
Hereditary hemorrhagic telangiectasia (HHT). Also called: ORW DISEASE; Osler Weber Rendu syndrome; OSLER-RENDU-WEBER DISEASE; Osler hemorrhagic telangiectasia syndrome. Identifiers: Orphanet 774, MedGen C0039445, MONDO:0019180. Disease mechanism: loss of function.

Submission:

Labcorp Genetics (formerly Invitae), Labcorp
Classification: Pathogenic for Hereditary hemorrhagic telangiectasia. Last evaluated: 2025-07-08. Review status: criteria provided, single submitter. Criteria: Invitae Variant Classification Sherloc (09022015). Collection method: clinical testing. Allele origin: germline.
Comment: This sequence change creates a premature translational stop signal (p.Cys207Leufs*127) in the ENG gene. It is expected to result in an absent or disrupted protein product. Loss-of-function variants in ENG are known to be pathogenic (PMID: 15879500). This variant is not present in population databases (gnomAD no frequency). This variant has not been reported in the literature in individuals affected with ENG-related conditions. For these reasons, this variant has been classified as Pathogenic.

Literature cited by the submitters: PubMed 15879500.

NM_001114753.3(ENG):c.617dup (p.Cys207fs)

Gene: ENG (endoglin; minus strand). Cytogenetic location: 9q34.11.
Variant type: Duplication.
Coding change: c.617dup on transcript NM_001114753.3 (MANE Select); coding-DNA position 617, one base duplicated (G; older notation c.617dupG).
Protein change: p.Cys207fs; shifts the reading frame from cysteine 207.
Molecular consequence: frameshift variant.
Genome position (GRCh38, 1-based): chr9:127,825,767, C duplicated on the plus strand (G on the coding strand, the reverse complement: ENG is on the minus strand); the first of 4 consecutive C bases (chr9:127,825,767-127,825,770); duplicating any one gives the same sequence. VCF-style (leftmost placement, unchanged base first): chr9-127825766-G-GC. GRCh37 (hg19) VCF-style: chr9-130588045-G-GC.
Other names: c.617dup, p.Cys207fs (NM_000118.4, NM_001406715.1); c.71dup, p.Cys25fs (NM_001278138.2); short protein forms C207fs, C25fs.
Identifiers: ClinVar variation 4722860 (VCV004722860.1).